The following is an entry in ClinVar:

NM_052867.4(NALCN):c.1153G>A (p.Val385Ile)

Genes: NALCN (sodium leak channel, non-selective; minus strand), LOC126861831 (P300/CBP strongly-dependent group 1 enhancer GRCh37_chr13:101909917-101911116; plus strand). Cytogenetic location: 13q33.1.
Variant type: single nucleotide variant.
Coding change: c.1153G>A on transcript NM_052867.4 (MANE Select); coding-DNA position 1153, G replaced by A.
Protein change: p.Val385Ile; replaces valine 385 with isoleucine.
Molecular consequence: missense variant.
Genome position (GRCh38, 1-based): chr13:101,258,556, C>T on the plus strand (G>A on the coding strand, the complement: NALCN is on the minus strand). VCF-style: chr13-101258556-C-T. GRCh37 (hg19) VCF-style: chr13-101910907-C-T.
Other names: c.1153G>A, p.Val385Ile (NM_001350748.2, NM_001350749.2); c.1066G>A, p.Val356Ile (NM_001350750.2, NM_001350751.2); short protein forms V356I, V385I.
Identifiers: ClinVar variation 2977895 (VCV002977895.4), dbSNP rs1245379235, ClinGen allele CA388703939.

ClinVar aggregate classification (germline): Uncertain significance. Review status: criteria provided, multiple submitters, no conflicts (2 of 4 stars). 2 submissions from 2 submitters: Uncertain significance (2). Last evaluated 2023-06-03.

Conditions:
Congenital contractures of the limbs and face, hypotonia, and developmental delay (CLIFAHDD). Identifiers: Orphanet 562528, MedGen C4225398, MONDO:0014556, OMIM 616266.
Hypotonia, infantile, with psychomotor retardation and characteristic facies 1 (INNFD). Identifiers: Orphanet 371364, Orphanet 700336, MedGen C3809454, MONDO:0024567, OMIM 615419.

Allele frequency attached by ClinVar (database versions not stated): gnomAD exomes 0.00002.

Submissions (2):

Labcorp Genetics (formerly Invitae), Labcorp
Classification: Uncertain significance. Last evaluated: 2023-06-03. Review status: criteria provided, single submitter. Criteria: Invitae Variant Classification Sherloc (09022015). Collection method: clinical testing. Allele origin: germline.
Comment: In summary, the available evidence is currently insufficient to determine the role of this variant in disease. Therefore, it has been classified as a Variant of Uncertain Significance. Advanced modeling of protein sequence and biophysical properties (such as structural, functional, and spatial information, amino acid conservation, physicochemical variation, residue mobility, and thermodynamic stability) performed at Invitae indicates that this missense variant is not expected to disrupt NALCN protein function. This variant has not been reported in the literature in individuals affected with NALCN-related conditions. This variant is present in population databases (no rsID available, gnomAD 0.01%). This sequence change replaces valine, which is neutral and non-polar, with isoleucine, which is neutral and non-polar, at codon 385 of the NALCN protein (p.Val385Ile).

Department of Pathology and Laboratory Medicine, Sinai Health System
Classification: Uncertain significance for Hypotonia, infantile, with psychomotor retardation and characteristic facies 1; Congenital contractures of the limbs and face, hypotonia, and developmental delay. Last evaluated: 2022-02-08. Review status: criteria provided, single submitter. Criteria: ACMG Guidelines, 2015. Collection method: research. Allele origin: germline.